The following is an entry in ClinVar:

ClinVar aggregate classification (germline): Likely benign. Review status: criteria provided, multiple submitters, no conflicts (2 of 4 stars). 4 submissions from 4 submitters: Likely benign (2). 2 of the submissions do not count toward it. Last evaluated 2026-04-01.

Conditions:
Autosomal recessive polycystic kidney disease (ARPKD). Also called: AR polycystic kidney disease. Identifiers: Orphanet 731, Orphanet 8378, MedGen C0085548, MeSH D017044, MONDO:0009889.
PKHD1-related disorder. Also called: PKHD1-related condition.

Allele frequency attached by ClinVar (database versions not stated): gnomAD 0.00006; ExAC 0.00007; gnomAD exomes 0.00003 and 0.00004; TOPMed 0.00007; ESP Exome Variant Server 0.00008.
gnomAD v4.1: 57 of 1,613,916 alleles (0.0035%); highest among the groups gnomAD compares: Non-Finnish European, 0.0048%; no homozygotes.

Submissions (4):

CeGaT Center for Human Genetics Tuebingen
Classification: Likely benign. Last evaluated: 2026-04-01. Review status: criteria provided, single submitter. Criteria: CeGaT Center For Human Genetics Tuebingen Variant Classification Criteria Version 2. Collection method: clinical testing. Allele origin: germline. Affected: yes. Observed: 1 variant allele.
Comment: PKHD1: BP4, BP7

Labcorp Genetics (formerly Invitae), Labcorp
Classification: Likely benign for Autosomal recessive polycystic kidney disease. Last evaluated: 2025-04-10. Review status: criteria provided, single submitter. Criteria: Invitae Variant Classification Sherloc (09022015). Collection method: clinical testing. Allele origin: germline.

PreventionGenetics, part of Exact Sciences
Classification: Likely benign for PKHD1-related condition. Last evaluated: 2024-03-01. Review status: no assertion criteria provided. Collection method: clinical testing. Allele origin: germline. Not counted in ClinVar's aggregate classification.
Comment: This variant is classified as likely benign based on ACMG/AMP sequence variant interpretation guidelines (Richards et al. 2015 PMID: 25741868, with internal and published modifications).

Natera, Inc.
Classification: Likely benign for Autosomal recessive polycystic kidney disease. Last evaluated: 2020-04-18. Review status: no assertion criteria provided. Collection method: clinical testing. Allele origin: germline. Not counted in ClinVar's aggregate classification.

NM_138694.4(PKHD1):c.5538C>T (p.Cys1846=)

Gene: PKHD1 (PKHD1 ciliary IPT domain containing fibrocystin/polyductin; minus strand). Cytogenetic location: 6p12.2.
Variant type: single nucleotide variant.
Coding change: c.5538C>T on transcript NM_138694.4 (MANE Select); coding-DNA position 5538, C replaced by T.
Protein change: p.Cys1846=; no amino-acid change (cysteine 1846 retained).
Molecular consequence: synonymous variant.
Genome position (GRCh38, 1-based): chr6:52,017,472, G>A on the plus strand (C>T on the coding strand, the complement: PKHD1 is on the minus strand). VCF-style: chr6-52017472-G-A. GRCh37 (hg19) VCF-style: chr6-51882270-G-A.
Other names: c.5538C>T, p.Cys1846= (NM_170724.3); c.5538C>T (NM_138694.3).
Identifiers: ClinVar variation 1127808 (VCV001127808.18), dbSNP rs373244595, ClinGen allele CA3852494.
Genomic context (GRCh38, chr6:52,017,472, plus strand): 5'-GATAAAGAGGCCCGAGAATGATGGAAACATTGACTCTGCCCAATGATCTGGCACAAAGAG[G>A]CATTGGGAACTTTCCTCGCAAATGTAGAGGTAAGGCCACGATTCAAGCAGTTGCTCTGTC-3'
Protein context (NP_619639.3, residues 1836-1856): YLYICEESSQ[Cys1846=]LFVPDHWAES